The following is an entry in ClinVar:

ClinVar aggregate classification (germline): Pathogenic (1 of 4 stars; one submission).

Conditions:
SLC39A8-CDG. Also called: CONGENITAL DISORDER OF GLYCOSYLATION, TYPE IIn; CDG IIn; SLC39A8 deficiency. Identifiers: Orphanet 468699, MedGen C4225234, MONDO:0014746, OMIM 616721.

Submission:

Metabolic Research Unit, Children's University Hospital Muenster
Classification: Pathogenic for SLC39A8 deficiency. Last evaluated: 2015-11-03. Review status: criteria provided, single submitter. Criteria: Park et al. (AJHG 2015). Collection method: research. Allele origin: germline. Affected: yes. Observed: 1 variant allele.

NM_022154.5(SLC39A8):c.[1019T>A];[112G>C]

Variant type: CompoundHeterozygote.
Identifiers: ClinVar variation 424755 (VCV000424755.5).